The following is an entry in ClinVar:

ClinVar aggregate classification (germline): Likely benign (1 of 4 stars; one submission).

gnomAD v4.1: 17 of 1,174,480 alleles (0.0014%); highest among the groups gnomAD compares: African/African-American, 0.025%; no homozygotes.

Submission:

CeGaT Center for Human Genetics Tuebingen
Classification: Likely benign. Last evaluated: 2026-01-01. Review status: criteria provided, single submitter. Criteria: CeGaT Center For Human Genetics Tuebingen Variant Classification Criteria Version 2. Collection method: clinical testing. Allele origin: germline. Affected: yes. Observed: 1 variant allele.
Comment: PPP1R3F: BP4, BP7

NM_033215.5(PPP1R3F):c.1347G>A (p.Glu449=)

Gene: PPP1R3F (protein phosphatase 1 regulatory subunit 3F; plus strand). Cytogenetic location: Xp11.23.
Variant type: single nucleotide variant.
Coding change: c.1347G>A on transcript NM_033215.5 (MANE Select); coding-DNA position 1347, G replaced by A.
Protein change: p.Glu449=; no amino-acid change (glutamic acid 449 retained).
Molecular consequence: synonymous variant.
Genome position (GRCh38, 1-based): chrX:49,286,037, G>A. VCF-style: chrX-49286037-G-A. GRCh37 (hg19) VCF-style: chrX-49142499-G-A.
Other names: c.309G>A, p.Glu103= (NM_001184745.2).
Identifiers: ClinVar variation 4823091 (VCV004823091.4).